The following is an entry in ClinVar:

NM_001042492.3(NF1):c.4428C>T (p.Arg1476=)

Gene: NF1 (neurofibromin 1; plus strand). Cytogenetic location: 17q11.2.
Variant type: single nucleotide variant.
Coding change: c.4428C>T on transcript NM_001042492.3 (MANE Select); coding-DNA position 4428, C replaced by T.
Protein change: p.Arg1476=; no amino-acid change (arginine 1476 retained).
Molecular consequence: synonymous variant.
Genome position (GRCh38, 1-based): chr17:31,259,127, C>T. VCF-style: chr17-31259127-C-T. GRCh37 (hg19) VCF-style: chr17-29586145-C-T.
Other names: c.4365C>T, p.Arg1455= (NM_000267.4).
Identifiers: ClinVar variation 955676 (VCV000955676.6), dbSNP rs2067640114, ClinGen allele CA499233627.
Genomic context (GRCh38, chr17:31,259,127, plus strand): 5'-AAAAGAAGAACATATGCGGCCTTTCAATGATTTTGTGAAAAGCAACTTTGATGCAGCACG[C>T]AGGTAATTTTCTTGCCACTTACTCAGTTGCTCTGTTTGAATCAAATATTTTCGGTTTCAC-3'
Protein context (NP_001035957.1, residues 1466-1486): DFVKSNFDAA[Arg1476=]RFFLDIASDC

ClinVar aggregate classification (germline): Uncertain significance (1 of 4 stars; one submission).

Conditions:
Neurofibromatosis, type 1 (NF1). Also called: VON RECKLINGHAUSEN DISEASE; NEUROFIBROMATOSIS, TYPE I, SOMATIC; Peripheral type neurofibromatosis; Neurofibromatosis, type I. Identifiers: Orphanet 636, MedGen C0027831, MONDO:0018975, OMIM 162200. Disease mechanism: loss of function.

Allele frequency attached by ClinVar (database versions not stated): gnomAD exomes below 0.00001.
gnomAD v4.1: 1 of 1,595,248 alleles (0.000063%); highest among the groups gnomAD compares: Non-Finnish European, 0.000086%; no homozygotes.

Submission:

Labcorp Genetics (formerly Invitae), Labcorp
Classification: Uncertain significance for Neurofibromatosis, type 1. Last evaluated: 2019-10-16. Review status: criteria provided, single submitter. Criteria: Invitae Variant Classification Sherloc (09022015). Collection method: clinical testing. Allele origin: germline.
Comment: This sequence change affects codon 1455 of the NF1 mRNA. It is a 'silent' change, meaning that it does not change the encoded amino acid sequence of the NF1 protein. This variant is not present in population databases (ExAC no frequency). This variant has not been reported in the literature in individuals with NF1-related conditions. Algorithms developed to predict the effect of sequence changes on RNA splicing suggest that this variant may create or strengthen a splice site, but this prediction has not been confirmed by published transcriptional studies. In summary, the available evidence is currently insufficient to determine the role of this variant in disease. Therefore, it has been classified as a Variant of Uncertain Significance.